The following is an entry in ClinVar:

NM_001106.4(ACVR2B):c.*1042G>A

Gene: ACVR2B (activin A receptor type 2B; plus strand). Cytogenetic location: 3p22.2.
Variant type: single nucleotide variant.
Coding change: c.*1042G>A on transcript NM_001106.4 (MANE Select); 1042 bases downstream of the stop codon, G replaced by A.
Molecular consequence: 3 prime UTR variant.
Genome position (GRCh38, 1-based): chr3:38,484,374, G>A. VCF-style: chr3-38484374-G-A. GRCh37 (hg19) VCF-style: chr3-38525865-G-A.
Identifiers: ClinVar variation 344941 (VCV000344941.5), dbSNP rs541363749, ClinGen allele CA10618555.

ClinVar aggregate classification (germline): Benign (1 of 4 stars; one submission).

Conditions:
Heterotaxy, visceral, 4, autosomal (HTX4). Identifiers: Orphanet 450, MedGen C3151057, MONDO:0013403, OMIM 613751.

Allele frequency attached by ClinVar (database versions not stated): 1000 Genomes Project 0.00319; 1000 Genomes Project 30x 0.00344; gnomAD 0.00379; TOPMed 0.00467.

Submission:

Illumina Laboratory Services, Illumina
Classification: Benign for Heterotaxy, visceral, 4, autosomal. Last evaluated: 2018-01-13. Review status: criteria provided, single submitter. Criteria: ICSL Variant Classification Criteria 13 December 2019. Collection method: clinical testing. Allele origin: germline.
Comment: This variant was observed in the ICSL laboratory as part of a predisposition screen in an ostensibly healthy population. It had not been previously curated by ICSL or reported in the Human Gene Mutation Database (HGMD: prior to June 1st, 2018), and was therefore a candidate for classification through an automated scoring system. Utilizing variant allele frequency, disease prevalence and penetrance estimates, and inheritance mode, an automated score was calculated to assess if this variant is too frequent to cause the disease. Based on the score and internal cut-off values, a variant classified as benign is not then subjected to further curation. The score for this variant resulted in a classification of benign for this disease.